The following is an entry in ClinVar:

NM_001172509.2(SATB2):c.598-1G>A

Gene: SATB2 (SATB homeobox 2; minus strand). Cytogenetic location: 2q33.1.
Variant type: single nucleotide variant.
Coding change: c.598-1G>A on transcript NM_001172509.2 (MANE Select); the canonical splice acceptor site of the intron before coding-DNA position 598, G replaced by A.
Molecular consequence: splice acceptor variant.
Genome position (GRCh38, 1-based): chr2:199,368,708, C>T on the plus strand (G>A on the coding strand, the complement: SATB2 is on the minus strand). VCF-style: chr2-199368708-C-T. GRCh37 (hg19) VCF-style: chr2-200233431-C-T.
Other names: c.598-1G>A (NM_001172517.1, NM_015265.4).
Identifiers: ClinVar variation 4717876 (VCV004717876.1).

ClinVar aggregate classification (germline): Likely pathogenic (1 of 4 stars; one submission).

Conditions:
Chromosome 2q32-q33 deletion syndrome (GLASS). Also called: 2q33.1 deletion syndrome; Glass syndrome. Identifiers: Orphanet 251019, MedGen C2676739, MONDO:0012864, OMIM 612313.

Submission:

Labcorp Genetics (formerly Invitae), Labcorp
Classification: Likely pathogenic for Chromosome 2q32-q33 deletion syndrome. Last evaluated: 2025-04-24. Review status: criteria provided, single submitter. Criteria: Invitae Variant Classification Sherloc (09022015). Collection method: clinical testing. Allele origin: germline.
Comment: This sequence change affects an acceptor splice site in intron 6 of the SATB2 gene. It is expected to disrupt RNA splicing. Variants that disrupt the donor or acceptor splice site typically lead to a loss of protein function (PMID: 16199547), and loss-of-function variants in SATB2 are known to be pathogenic (PMID: 25885067). This variant is not present in population databases (gnomAD no frequency). This variant has not been reported in the literature in individuals affected with SATB2-related conditions. Algorithms developed to predict the effect of sequence changes on RNA splicing suggest that this variant may disrupt the consensus splice site. In summary, the currently available evidence indicates that the variant is pathogenic, but additional data are needed to prove that conclusively. Therefore, this variant has been classified as Likely Pathogenic.

Literature cited by the submitters: PubMed 16199547; PubMed 25885067.